The following is an entry in ClinVar:

ClinVar aggregate classification (germline): Uncertain significance (1 of 4 stars; one submission).

Allele frequency attached by ClinVar (database versions not stated): TOPMed below 0.00001; ExAC 0.00001; gnomAD 0.00001; gnomAD exomes 0.00001.
gnomAD v4.1: 4 of 1,612,768 alleles (0.00025%); highest among the groups gnomAD compares: Admixed American, 0.0033%; no homozygotes.

Submission:

Labcorp Genetics (formerly Invitae), Labcorp
Classification: Uncertain significance. Last evaluated: 2022-08-15. Review status: criteria provided, single submitter. Criteria: Invitae Variant Classification Sherloc (09022015). Collection method: clinical testing. Allele origin: germline.
Comment: This sequence change replaces methionine, which is neutral and non-polar, with valine, which is neutral and non-polar, at codon 444 of the DMXL2 protein (p.Met444Val). In summary, the available evidence is currently insufficient to determine the role of this variant in disease. Therefore, it has been classified as a Variant of Uncertain Significance. Algorithms developed to predict the effect of missense changes on protein structure and function are either unavailable or do not agree on the potential impact of this missense change (SIFT: "Deleterious"; PolyPhen-2: "Benign"; Align-GVGD: "Class C0"). This variant has not been reported in the literature in individuals affected with DMXL2-related conditions. This variant is present in population databases (rs775401039, gnomAD 0.003%).

NM_001378457.1(DMXL2):c.1330A>G (p.Met444Val)

Gene: DMXL2 (Dmx like 2; minus strand). Cytogenetic location: 15q21.2.
Variant type: single nucleotide variant.
Coding change: c.1330A>G on transcript NM_001378457.1 (MANE Select); coding-DNA position 1330, A replaced by G.
Protein change: p.Met444Val; replaces methionine 444 with valine.
Molecular consequence: missense variant. On other transcripts: non-coding transcript variant (2), intron variant (1).
Genome position (GRCh38, 1-based): chr15:51,538,228, T>C on the plus strand (A>G on the coding strand, the complement: DMXL2 is on the minus strand). VCF-style: chr15-51538228-T-C. GRCh37 (hg19) VCF-style: chr15-51830425-T-C.
Other names: c.1330A>G, p.Met444Val (NM_001174116.3, NM_001174117.3, NM_001378458.1 and 6 more transcripts); c.1106-469A>G (NM_001378464.1); short protein forms M444V.
Identifiers: ClinVar variation 1947121 (VCV001947121.3), dbSNP rs775401039, ClinGen allele CA7562620.
Genomic context (GRCh38, chr15:51,538,228, plus strand): 5'-GCTGTTAACTTTGGAGTAAGTAAAATCTGAACACAGGATACTAACCATGGTCTAATTTCA[T>C]ATGTAAACCCCGTTCTCTATCCTCCTGTGAATGTTCCTCATCTTCTCTATCTGCATCATC-3'
Protein context (NP_001365386.1, residues 434-454): SQEDRERGLH[Met444Val]KLDHDLSLDR